The following is an entry in ClinVar:

ClinVar aggregate classification (germline): Uncertain significance (1 of 4 stars; one submission).

Conditions:
Gorlin syndrome. Also called: Basal cell nevus syndrome; Nevoid Basal Cell Carcinoma Syndrome. Identifiers: Orphanet 377, MedGen C0004779, MONDO:0007187.

Allele frequency attached by ClinVar (database versions not stated): ExAC 0.00002; TOPMed 0.00002; gnomAD 0.00003; 1000 Genomes Project 30x 0.00016; 1000 Genomes Project 0.00020.
gnomAD v4.1: 10 of 1,614,220 alleles (0.00062%); highest among the groups gnomAD compares: East Asian, 0.0045%; no homozygotes.

Submission:

Labcorp Genetics (formerly Invitae), Labcorp
Classification: Uncertain significance for Gorlin syndrome. Last evaluated: 2022-03-21. Review status: criteria provided, single submitter. Criteria: Invitae Variant Classification Sherloc (09022015). Collection method: clinical testing. Allele origin: germline.
Comment: Algorithms developed to predict the effect of missense changes on protein structure and function output the following: SIFT: "Tolerated"; PolyPhen-2: "Benign"; Align-GVGD: "Class C0". The histidine amino acid residue is found in multiple mammalian species, which suggests that this missense change does not adversely affect protein function. In summary, the available evidence is currently insufficient to determine the role of this variant in disease. Therefore, it has been classified as a Variant of Uncertain Significance. This variant has not been reported in the literature in individuals affected with PTCH2-related conditions. This variant is present in population databases (rs200617096, gnomAD 0.01%). This sequence change replaces arginine, which is basic and polar, with histidine, which is basic and polar, at codon 120 of the PTCH2 protein (p.Arg120His).

NM_003738.5(PTCH2):c.359G>A (p.Arg120His)

Gene: PTCH2 (patched 2; minus strand). Cytogenetic location: 1p34.1.
Variant type: single nucleotide variant.
Coding change: c.359G>A on transcript NM_003738.5 (MANE Select); coding-DNA position 359, G replaced by A.
Protein change: p.Arg120His; replaces arginine 120 with histidine.
Molecular consequence: missense variant.
Genome position (GRCh38, 1-based): chr1:44,832,248, C>T on the plus strand (G>A on the coding strand, the complement: PTCH2 is on the minus strand). VCF-style: chr1-44832248-C-T. GRCh37 (hg19) VCF-style: chr1-45297920-C-T.
Other names: c.359G>A, p.Arg120His (NM_001166292.2); short protein forms R120H.
Identifiers: ClinVar variation 2043243 (VCV002043243.4), dbSNP rs200617096, ClinGen allele CA823658.